The following is an entry in ClinVar:

ClinVar aggregate classification (germline): Pathogenic (1 of 4 stars; one submission).

Conditions:
Neurodevelopmental disorder with hypotonia and variable intellectual and behavioral abnormalities. Identifiers: MedGen C5231423, MONDO:0032829, OMIM 618603.

Submission:

Institute of Human Genetics, University of Leipzig Medical Center
Classification: Pathogenic for Neurodevelopmental disorder with hypotonia and variable intellectual and behavioral abnormalities. Last evaluated: 2023-08-03. Review status: criteria provided, single submitter. Criteria: ACMG Guidelines, 2015. Collection method: clinical testing. Allele origin: de novo. Inheritance: Autosomal dominant inheritance. Affected: yes.
Comment: Criteria applied: PVS1,PS2_MOD,PM2_SUP

NM_000937.5(POLR2A):c.2289C>G (p.Tyr763Ter)

Gene: POLR2A (RNA polymerase II subunit A; plus strand). Cytogenetic location: 17p13.1.
Variant type: single nucleotide variant.
Coding change: c.2289C>G on transcript NM_000937.5 (MANE Select); coding-DNA position 2289, C replaced by G.
Protein change: p.Tyr763Ter; replaces tyrosine 763 with a stop codon.
Molecular consequence: nonsense.
Genome position (GRCh38, 1-based): chr17:7,501,669, C>G. VCF-style: chr17-7501669-C-G. GRCh37 (hg19) VCF-style: chr17-7404988-C-G.
Other names: short protein forms Y763*.
Identifiers: ClinVar variation 2576553 (VCV002576553.3), dbSNP rs2070588471, ClinGen allele CA397886836.